The following is an entry in ClinVar:

NM_181426.2(CCDC39):c.1345G>T (p.Glu449Ter)

Gene: CCDC39 (coiled-coil domain 39 molecular ruler complex subunit; minus strand). Cytogenetic location: 3q26.33.
Variant type: single nucleotide variant.
Coding change: c.1345G>T on transcript NM_181426.2 (MANE Select); coding-DNA position 1345, G replaced by T.
Protein change: p.Glu449Ter; replaces glutamic acid 449 with a stop codon.
Molecular consequence: nonsense.
Genome position (GRCh38, 1-based): chr3:180,648,182, C>A on the plus strand (G>T on the coding strand, the complement: CCDC39 is on the minus strand). VCF-style: chr3-180648182-C-A. GRCh37 (hg19) VCF-style: chr3-180365970-C-A.
Other names: short protein forms E449*.
Identifiers: ClinVar variation 2764332 (VCV002764332.3), dbSNP rs1472519086, ClinGen allele CA355310509.

ClinVar aggregate classification (germline): Pathogenic (1 of 4 stars; one submission).

Conditions:
Primary ciliary dyskinesia. Also called: Ciliary dyskinesia. Identifiers: Orphanet 244, MedGen C0008780, MONDO:0016575, HP:0012265.

Allele frequency attached by ClinVar (database versions not stated): gnomAD exomes below 0.00001; TOPMed below 0.00001.
gnomAD v4.1: 2 of 1,612,818 alleles (0.00012%); highest among the groups gnomAD compares: Non-Finnish European, 0.00017%; no homozygotes.

Submission:

Labcorp Genetics (formerly Invitae), Labcorp
Classification: Pathogenic for Primary ciliary dyskinesia. Last evaluated: 2023-09-29. Review status: criteria provided, single submitter. Criteria: Invitae Variant Classification Sherloc (09022015). Collection method: clinical testing. Allele origin: germline.
Comment: For these reasons, this variant has been classified as Pathogenic. Algorithms developed to predict the effect of sequence changes on RNA splicing suggest that this variant may create or strengthen a splice site. This variant has not been reported in the literature in individuals affected with CCDC39-related conditions. This variant is not present in population databases (gnomAD no frequency). This sequence change creates a premature translational stop signal (p.Glu449*) in the CCDC39 gene. It is expected to result in an absent or disrupted protein product. Loss-of-function variants in CCDC39 are known to be pathogenic (PMID: 21131972, 23255504).

Literature cited by the submitters: PubMed 21131972; PubMed 23255504.